The following is an entry in ClinVar:

ClinVar aggregate classification (germline): Benign/Likely benign. Review status: criteria provided, multiple submitters, no conflicts (2 of 4 stars). 5 submissions from 5 submitters: Benign (1); Likely benign (4). Last evaluated 2026-02-02.

Conditions:
Hereditary nonpolyposis colorectal neoplasms. Identifiers: MedGen C0009405, MeSH D003123.
Hereditary cancer-predisposing syndrome. Also called: Tumor predisposition; Hereditary neoplastic syndrome; Neoplastic Syndromes, Hereditary; Hereditary Cancer Syndrome. Identifiers: Orphanet 140162, MedGen C0027672, MeSH D009386, MONDO:0015356.
Lynch syndrome 5 (LYNCH5). Also called: Colorectal cancer, hereditary nonpolyposis, type 5; Hereditary non-polyposis colorectal cancer, type 5. Identifiers: Orphanet 144, MedGen C1833477, MONDO:0013710, OMIM 614350. Disease mechanism: loss of function.

Allele frequency attached by ClinVar (database versions not stated): gnomAD exomes below 0.00001 and 0.00001; ExAC 0.00001.
gnomAD v4.1: 3 of 1,614,056 alleles (0.00019%); highest among the groups gnomAD compares: East Asian, 0.0022%; no homozygotes.

Submissions (5):

Labcorp Genetics (formerly Invitae), Labcorp
Classification: Likely benign for Hereditary nonpolyposis colorectal neoplasms. Last evaluated: 2026-02-02. Review status: criteria provided, single submitter. Criteria: Invitae Variant Classification Sherloc (09022015). Collection method: clinical testing. Allele origin: germline.

Myriad Genetics, Inc.
Classification: Benign for Lynch syndrome 5. Last evaluated: 2025-01-07. Review status: criteria provided, single submitter. Criteria: Myriad Autosomal Dominant, Autosomal Recessive and X-Linked Classification Criteria (2023). Collection method: clinical testing. Allele origin: unknown.
Comment: This variant is considered benign. This variant is a silent/synonymous amino acid change and it is not expected to impact splicing.

Color Diagnostics, LLC DBA Color Health
Classification: Likely benign for Hereditary cancer-predisposing syndrome. Last evaluated: 2017-12-05. Review status: criteria provided, single submitter. Criteria: ACMG Guidelines, 2015. Collection method: clinical testing. Allele origin: germline.

GeneDx
Classification: Likely benign. Last evaluated: 2016-11-22. Review status: criteria provided, single submitter. Criteria: GeneDx Variant Classification (06012015). Collection method: clinical testing. Allele origin: germline. Affected: yes.
Comment: This variant is considered likely benign or benign based on one or more of the following criteria: it is a conservative change, it occurs at a poorly conserved position in the protein, it is predicted to be benign by multiple in silico algorithms, and/or has population frequency not consistent with disease.

Ambry Genetics
Classification: Likely benign for Hereditary cancer-predisposing syndrome. Last evaluated: 2016-02-06. Review status: criteria provided, single submitter. Criteria: Ambry Variant Classification Scheme 2023. Collection method: clinical testing. Allele origin: germline.

NM_000179.3(MSH6):c.3483T>C (p.Pro1161=)

Gene: MSH6 (mutS homolog 6; plus strand). Cytogenetic location: 2p16.3.
Variant type: single nucleotide variant.
Coding change: c.3483T>C on transcript NM_000179.3 (MANE Select); coding-DNA position 3483, T replaced by C.
Protein change: p.Pro1161=; no amino-acid change (proline 1161 retained).
Molecular consequence: synonymous variant.
Genome position (GRCh38, 1-based): chr2:47,804,954, T>C. VCF-style: chr2-47804954-T-C. GRCh37 (hg19) VCF-style: chr2-48032093-T-C.
Other names: c.3093T>C, p.Pro1031= (NM_001281492.2); c.2577T>C, p.Pro859= (NM_001281493.2, NM_001281494.2).
Identifiers: ClinVar variation 380626 (VCV000380626.19), dbSNP rs757064383, ClinGen allele CA071031.